The following is an entry in ClinVar:

NM_133497.4(KCNV2):c.1607A>G (p.Asn536Ser)

Gene: KCNV2 (potassium voltage-gated channel modifier subfamily V member 2; plus strand). Cytogenetic location: 9p24.2.
Variant type: single nucleotide variant.
Coding change: c.1607A>G on transcript NM_133497.4 (MANE Select); coding-DNA position 1607, A replaced by G.
Protein change: p.Asn536Ser; replaces asparagine 536 with serine.
Molecular consequence: missense variant.
Genome position (GRCh38, 1-based): chr9:2,729,696, A>G. VCF-style: chr9-2729696-A-G. GRCh37 (hg19) VCF-style: chr9-2729696-A-G.
Other names: short protein forms N536S.
Identifiers: ClinVar variation 914360 (VCV000914360.32), dbSNP rs77811928, ClinGen allele CA4965951.
Genomic context (GRCh38, chr9:2,729,696, plus strand): 5'-GAGAGGTGAACTTCATGCAGAGAGCCAGAAAGAAGATAGCTGAGTGTTTGCTTGGAAGCA[A>G]CCCACAGCTCACCCCAAGACAAGAGAATTAGTATTTTATAGGACATGTGGCTGGTAGATT-3'
Protein context (NP_598004.1, residues 526-545): KKIAECLLGS[Asn536Ser]PQLTPRQEN

ClinVar aggregate classification (germline): Benign/Likely benign. Review status: criteria provided, multiple submitters, no conflicts (2 of 4 stars). 5 submissions from 5 submitters: Benign (1); Likely benign (4). Last evaluated 2026-01-16.

Conditions:
Cone dystrophy with supernormal rod response (CDSRR). Also called: CONE DYSTROPHY WITH SUPERNORMAL ROD RESPONSES. Identifiers: Orphanet 209932, MedGen C1835897, MONDO:0012475, OMIM 610356.

Allele frequency attached by ClinVar (database versions not stated): 1000 Genomes Project 0.00060; 1000 Genomes Project 30x 0.00062; ESP Exome Variant Server 0.00062; TOPMed 0.00099; ExAC 0.00144; gnomAD exomes 0.00155 and 0.00185; gnomAD 0.00159 and 0.00165.
gnomAD v4.1: 2,906 of 1,614,094 alleles (0.18%); highest among the groups gnomAD compares: Non-Finnish European, 0.2%; 7 homozygotes.

Submissions (5):

Labcorp Genetics (formerly Invitae), Labcorp
Classification: Benign. Last evaluated: 2026-01-16. Review status: criteria provided, single submitter. Criteria: Invitae Variant Classification Sherloc (09022015). Collection method: clinical testing. Allele origin: germline.

Blueprint Genetics
Classification: Likely benign. Last evaluated: 2024-11-20. Review status: criteria provided, single submitter. Criteria: ACMG Guidelines, 2015. Collection method: clinical testing. Allele origin: germline.

CeGaT Center for Human Genetics Tuebingen
Classification: Likely benign. Last evaluated: 2024-06-01. Review status: criteria provided, single submitter. Criteria: CeGaT Center For Human Genetics Tuebingen Variant Classification Criteria Version 2. Collection method: clinical testing. Allele origin: germline. Affected: yes. Observed: 1 variant allele.
Comment: KCNV2: BS2

Illumina Laboratory Services, Illumina
Classification: Likely benign for Cone dystrophy with supernormal rod response. Last evaluated: 2017-04-27. Review status: criteria provided, single submitter. Criteria: ICSL Variant Classification Criteria 13 December 2019. Collection method: clinical testing. Allele origin: germline.
Comment: This variant was observed as part of a predisposition screen in an ostensibly healthy population. A literature search was performed for the gene, cDNA change, and amino acid change (where applicable). Publications were found based on this search. The evidence from the literature, in combination with allele frequency data from public databases where available, was sufficient to determine this variant is unlikely to cause disease. Therefore, this variant is classified as likely benign.

Breakthrough Genomics
Classification: Likely benign. Review status: criteria provided, single submitter. Criteria: ACMG Guidelines, 2015. Collection method: not provided. Allele origin: germline. Inheritance: Autosomal recessive inheritance. Affected: yes.

Literature cited by the submitters: PubMed 21882291 (cited by Illumina Laboratory Services, Illumina).